The following is an entry in ClinVar:

NM_000466.3(PEX1):c.3701T>A (p.Leu1234Ter)

Genes: GATAD1 (GATA zinc finger domain containing 1; plus strand), PEX1 (peroxisomal biogenesis factor 1; minus strand). Cytogenetic location: 7q21.2.
Variant type: single nucleotide variant.
Coding change: c.3701T>A on transcript NM_000466.3 (MANE Select); coding-DNA position 3701, T replaced by A.
Protein change: p.Leu1234Ter; replaces leucine 1234 with a stop codon.
Molecular consequence: nonsense.
Genome position (GRCh38, 1-based): chr7:92,489,359, A>T on the plus strand (T>A on the coding strand, the complement: PEX1 is on the minus strand). VCF-style: chr7-92489359-A-T. GRCh37 (hg19) VCF-style: chr7-92118673-A-T.
Other names: c.3530T>A, p.Leu1177Ter (NM_001282677.2); c.3077T>A, p.Leu1026Ter (NM_001282678.2); short protein forms L1026*, L1177*, L1234*.
Identifiers: ClinVar variation 4818409 (VCV004818409.1).

ClinVar aggregate classification (germline): Likely pathogenic (1 of 4 stars; one submission).

Conditions:
Zellweger spectrum disorders (ZS). Also called: Zellweger Spectrum Disorder (ZSD); Zellweger syndrome; Zellweger Spectrum Disorder; Zellweger Spectrum. Identifiers: Orphanet 912, MedGen C0043459, MONDO:0019609.

Submission:

Natera, Inc.
Classification: Likely pathogenic for Zellweger syndrome. Last evaluated: 2025-10-09. Review status: criteria provided, single submitter. Criteria: Natera Variant Classification Schema (03/2026). Collection method: clinical testing. Allele origin: germline.
Comment: The c.3701T>A variant in PEX1 is a nonsense variant predicted to introduce a stop codon at amino acid 1234. This variant is expected to result in nonsense mediated decay, truncation, or a dysfunctional protein product. This variant is rare in the general population with a frequency below the threshold expected for the associated phenotype(s). Given the available evidence, this variant is classified as Likely Pathogenic.